The following is an entry in ClinVar:

ClinVar aggregate classification (germline): Benign/Likely benign. Review status: criteria provided, multiple submitters, no conflicts (2 of 4 stars). 6 submissions from 6 submitters: Benign (4); Likely benign (2). Last evaluated 2026-01-27.

Conditions:
Ehlers-Danlos syndrome, type 4 (EDSVASC). Also called: Ehlers-Danlos syndrome vascular type; Ehlers Danlos syndrome, ecchymotic type; Ehlers Danlos syndrome, arterial type; Ehlers Danlos syndrome, Sack-Barabas type; Ehlers-Danlos Syndrome Type IV. Identifiers: Orphanet 286, MedGen C0268338, MONDO:0017314, OMIM 130050.

Allele frequency attached by ClinVar (database versions not stated): gnomAD exomes 0.00109; ExAC 0.00124; 1000 Genomes Project 30x 0.00234; gnomAD 0.00243 and 0.00259; 1000 Genomes Project 0.00260; TOPMed 0.00279; ESP Exome Variant Server 0.00331.

Submissions (6):

Labcorp Genetics (formerly Invitae), Labcorp
Classification: Benign for Ehlers-Danlos syndrome, type 4. Last evaluated: 2026-01-27. Review status: criteria provided, single submitter. Criteria: Invitae Variant Classification Sherloc (09022015). Collection method: clinical testing. Allele origin: germline.

Blueprint Genetics
Classification: Likely benign. Last evaluated: 2024-11-19. Review status: criteria provided, single submitter. Criteria: ACMG Guidelines, 2015. Collection method: clinical testing. Allele origin: germline.

Women's Health and Genetics/Laboratory Corporation of America, LabCorp
Classification: Benign. Last evaluated: 2024-02-05. Review status: criteria provided, single submitter. Criteria: LabCorp Variant Classification Summary - May 2015. Collection method: clinical testing. Allele origin: germline.

ARUP Laboratories, Molecular Genetics and Genomics, ARUP Laboratories
Classification: Likely benign. Last evaluated: 2023-08-14. Review status: criteria provided, single submitter. Criteria: ARUP Molecular Germline Variant Investigation Process 2024. Collection method: clinical testing. Allele origin: germline.

GeneDx
Classification: Benign. Last evaluated: 2014-03-02. Review status: criteria provided, single submitter. Criteria: GeneDx Variant Classification (06012015). Collection method: clinical testing. Allele origin: germline. Affected: yes.
Comment: This variant is considered likely benign or benign based on one or more of the following criteria: it is a conservative change, it occurs at a poorly conserved position in the protein, it is predicted to be benign by multiple in silico algorithms, and/or has population frequency not consistent with disease.

PreventionGenetics, part of Exact Sciences
Classification: Benign. Review status: criteria provided, single submitter. Criteria: ACMG Guidelines, 2015. Collection method: clinical testing. Allele origin: germline.

NM_000090.4(COL3A1):c.3039+16T>G

Gene: COL3A1 (collagen type III alpha 1 chain; plus strand). Cytogenetic location: 2q32.2.
Variant type: single nucleotide variant.
Coding change: c.3039+16T>G on transcript NM_000090.4 (MANE Select); 16 bases into the intron after coding-DNA position 3039, T replaced by G.
Molecular consequence: intron variant.
Genome position (GRCh38, 1-based): chr2:189,005,473, T>G. VCF-style: chr2-189005473-T-G. GRCh37 (hg19) VCF-style: chr2-189870199-T-G.
Identifiers: ClinVar variation 136855 (VCV000136855.12), dbSNP rs41264443, ClinGen allele CA005960.